The following is an entry in ClinVar:

NM_002335.4(LRP5):c.1322A>C (p.Glu441Ala)

Gene: LRP5 (LDL receptor related protein 5; plus strand). Cytogenetic location: 11q13.2.
Variant type: single nucleotide variant.
Coding change: c.1322A>C on transcript NM_002335.4 (MANE Select); coding-DNA position 1322, A replaced by C.
Protein change: p.Glu441Ala; replaces glutamic acid 441 with alanine.
Molecular consequence: missense variant. On other transcripts: 5 prime UTR variant (1).
Genome position (GRCh38, 1-based): chr11:68,386,622, A>C. VCF-style: chr11-68386622-A-C. GRCh37 (hg19) VCF-style: chr11-68154090-A-C.
Other names: c.-444A>C (NM_001291902.2); short protein forms E441A.
Identifiers: ClinVar variation 4800453 (VCV004800453.1).
Genomic context (GRCh38, chr11:68,386,622, plus strand): 5'-TCGCGGTCGACTGGGTGGCCCGAAACCTCTACTGGACCGACACGGGCACGGACCGCATCG[A>C]GGTGACGCGCCTCAACGGCACCTCCCGCAAGATCCTGGTGTCGGAGGACCTGGACGAGCC-3'
Protein context (NP_002326.2, residues 431-451): YWTDTGTDRI[Glu441Ala]VTRLNGTSRK

ClinVar aggregate classification (germline): Uncertain significance (1 of 4 stars; one submission).

Submission:

Labcorp Genetics (formerly Invitae), Labcorp
Classification: Uncertain significance. Last evaluated: 2025-09-08. Review status: criteria provided, single submitter. Criteria: Invitae Variant Classification Sherloc (09022015). Collection method: clinical testing. Allele origin: germline.
Comment: This sequence change replaces glutamic acid, which is acidic and polar, with alanine, which is neutral and non-polar, at codon 441 of the LRP5 protein (p.Glu441Ala). This variant is not present in population databases (gnomAD no frequency). This variant has not been reported in the literature in individuals affected with LRP5-related conditions. Invitae Evidence Modeling of protein sequence and biophysical properties (such as structural, functional, and spatial information, amino acid conservation, physicochemical variation, residue mobility, and thermodynamic stability) has been performed for this missense variant. However, the output from this modeling did not meet the statistical confidence thresholds required to predict the impact of this variant on LRP5 protein function. This variant disrupts the p.Glu441 amino acid residue in LRP5. Other variant(s) that disrupt this residue have been determined to be pathogenic (PMID: 20340138, 30452590). This suggests that this residue is clinically significant, and that variants that disrupt this residue are likely to be disease-causing. In summary, the available evidence is currently insufficient to determine the role of this variant in disease. Therefore, it has been classified as a Variant of Uncertain Significance.

Literature cited by the submitters: PubMed 20340138; PubMed 30452590.